The following is an entry in ClinVar:

NM_014014.5(SNRNP200):c.3536A>G (p.His1179Arg)

Gene: SNRNP200 (small nuclear ribonucleoprotein U5 subunit 200; minus strand). Cytogenetic location: 2q11.2.
Variant type: single nucleotide variant.
Coding change: c.3536A>G on transcript NM_014014.5 (MANE Select); coding-DNA position 3536, A replaced by G.
Protein change: p.His1179Arg; replaces histidine 1179 with arginine.
Molecular consequence: missense variant.
Genome position (GRCh38, 1-based): chr2:96,287,109, T>C on the plus strand (A>G on the coding strand, the complement: SNRNP200 is on the minus strand). VCF-style: chr2-96287109-T-C. GRCh37 (hg19) VCF-style: chr2-96952847-T-C.
Other names: short protein forms H1179R.
Identifiers: ClinVar variation 2093263 (VCV002093263.4), dbSNP rs2104344976, ClinGen allele CA347672370.

ClinVar aggregate classification (germline): Uncertain significance (1 of 4 stars; one submission).

Allele frequency attached by ClinVar (database versions not stated): gnomAD exomes below 0.00001.
gnomAD v4.1: 2 of 1,614,152 alleles (0.00012%); highest among the groups gnomAD compares: East Asian, 0.0022%; no homozygotes.

Submission:

Labcorp Genetics (formerly Invitae), Labcorp
Classification: Uncertain significance. Last evaluated: 2022-04-07. Review status: criteria provided, single submitter. Criteria: Invitae Variant Classification Sherloc (09022015). Collection method: clinical testing. Allele origin: germline.
Comment: In summary, the available evidence is currently insufficient to determine the role of this variant in disease. Therefore, it has been classified as a Variant of Uncertain Significance. Algorithms developed to predict the effect of missense changes on protein structure and function (SIFT, PolyPhen-2, Align-GVGD) all suggest that this variant is likely to be tolerated. This variant has not been reported in the literature in individuals affected with SNRNP200-related conditions. This variant is not present in population databases (gnomAD no frequency). This sequence change replaces histidine, which is basic and polar, with arginine, which is basic and polar, at codon 1179 of the SNRNP200 protein (p.His1179Arg).